The following is an entry in ClinVar:

ClinVar aggregate classification (germline): Benign/Likely benign. Review status: criteria provided, multiple submitters, no conflicts (2 of 4 stars). 2 submissions from 2 submitters: Benign (1); Likely benign (1). Last evaluated 2025-10-07.

Conditions:
Fanconi anemia complementation group J. Also called: BRIP1-Related Fanconi Anemia. Identifiers: Orphanet 84, MedGen C1836860, MONDO:0012187, OMIM 609054.
Familial cancer of breast. Also called: hereditary breast carcinoma; BREAST CANCER, FAMILIAL; Hereditary breast cancer. Identifiers: Orphanet 227535, MedGen C0346153, MONDO:0016419, OMIM 114480. Disease mechanism: loss of function.

Submissions (2):

Labcorp Genetics (formerly Invitae), Labcorp
Classification: Likely benign for Familial cancer of breast; Fanconi anemia complementation group J. Last evaluated: 2025-10-07. Review status: criteria provided, single submitter. Criteria: Invitae Variant Classification Sherloc (09022015). Collection method: clinical testing. Allele origin: germline.

Myriad Genetics, Inc.
Classification: Benign for Familial cancer of breast. Last evaluated: 2024-09-03. Review status: criteria provided, single submitter. Criteria: Myriad Autosomal Dominant, Autosomal Recessive and X-Linked Classification Criteria (2023). Collection method: clinical testing. Allele origin: unknown.
Comment: This variant is considered benign. This variant is a silent/synonymous amino acid change and it is not expected to impact splicing.

NM_032043.3(BRIP1):c.2031A>G (p.Gly677=)

Gene: BRIP1 (BRCA1 interacting DNA helicase 1; minus strand). Cytogenetic location: 17q23.2.
Variant type: single nucleotide variant.
Coding change: c.2031A>G on transcript NM_032043.3 (MANE Select); coding-DNA position 2031, A replaced by G.
Protein change: p.Gly677=; no amino-acid change (glycine 677 retained).
Molecular consequence: synonymous variant.
Genome position (GRCh38, 1-based): chr17:61,776,467, T>C on the plus strand (A>G on the coding strand, the complement: BRIP1 is on the minus strand). VCF-style: chr17-61776467-T-C. GRCh37 (hg19) VCF-style: chr17-59853828-T-C.
Identifiers: ClinVar variation 3378464 (VCV003378464.2).